The following is an entry in ClinVar:

ClinVar aggregate classification (germline): Uncertain significance. Review status: criteria provided, multiple submitters, no conflicts (2 of 4 stars). 2 submissions from 2 submitters: Uncertain significance (2). Last evaluated 2025-12-03.

Conditions:
Oculocutaneous albinism type 1. Also called: Albinism 1; ALBINISM I. Identifiers: Orphanet 352731, MedGen C0268494, MONDO:0018135. Disease mechanism: loss of function.

gnomAD v4.1: 2 of 1,613,558 alleles (0.00012%); highest among the groups gnomAD compares: South Asian, 0.0022%; no homozygotes.

Submissions (2):

Myriad Genetics, Inc.
Classification: Uncertain significance for Oculocutaneous albinism type 1. Last evaluated: 2025-12-03. Review status: criteria provided, single submitter. Criteria: Myriad Autosomal Dominant, Autosomal Recessive and X-Linked Classification Criteria (2023). Collection method: clinical testing. Allele origin: unknown.
Comment: NM_000372.4(TYR):c.1141G>A(A381T) is a missense variant classified as a variant of uncertain significance in the context of oculocutaneous albinism, TYR-related. A381T has been observed in cases with relevant disease (PMID: 18846608, 37327787). Relevant functional assessments of this variant are not available in the literature. A381T has been observed in referenced population frequency databases. In summary, there is insufficient evidence to classify NM_000372.4(TYR):c.1141G>A(A381T) as pathogenic or benign. Please note: this variant was assessed in the context of healthy population screening.

Women's Health and Genetics/Laboratory Corporation of America, LabCorp
Classification: Uncertain significance. Last evaluated: 2025-05-21. Review status: criteria provided, single submitter. Criteria: LabCorp Variant Classification Summary - May 2015. Collection method: clinical testing. Allele origin: germline.
Comment: Variant summary: TYR c.1141G>A (p.Ala381Thr) results in a non-conservative amino acid change in the encoded protein sequence. Algorithms developed to predict the effect of missense changes on protein structure and function all suggest that this variant is likely to be disruptive. The variant allele was found at a frequency of 4e-06 in 251010 control chromosomes. c.1141G>A has been observed in multiple individuals affected with Oculocutaneous Albinism as a homozygous or compound heterozygous genotype or without reported second variant (e.g. Loftus_2023, Mauri_2017, Simeonov_2013). These data indicate that the variant may be associated with disease. To our knowledge, no experimental evidence demonstrating an impact on protein function has been reported. The following publications have been ascertained in the context of this evaluation (PMID: 37327787, 27734839, 23504663). No submitters have cited clinical-significance assessments for this variant to ClinVar. Based on the evidence outlined above, the variant was classified as VUS-possibly pathogenic.

Literature cited by the submitters: PubMed 18846608 (cited by Myriad Genetics, Inc.); PubMed 37327787 (cited by Myriad Genetics, Inc. and Women's Health and Genetics/Laboratory Corporation of America, LabCorp); PubMed 27734839 (cited by Women's Health and Genetics/Laboratory Corporation of America, LabCorp); PubMed 23504663 (cited by Women's Health and Genetics/Laboratory Corporation of America, LabCorp).

NM_000372.5(TYR):c.1141G>A (p.Ala381Thr)

Gene: TYR (tyrosinase; plus strand). Cytogenetic location: 11q14.3.
Variant type: single nucleotide variant.
Coding change: c.1141G>A on transcript NM_000372.5 (MANE Select); coding-DNA position 1141, G replaced by A.
Protein change: p.Ala381Thr; replaces alanine 381 with threonine.
Molecular consequence: missense variant.
Genome position (GRCh38, 1-based): chr11:89,227,927, G>A. VCF-style: chr11-89227927-G-A. GRCh37 (hg19) VCF-style: chr11-88961095-G-A.
Other names: short protein forms A381T.
Identifiers: ClinVar variation 3902769 (VCV003902769.2).